The following is an entry in ClinVar:

ClinVar aggregate classification (germline): Uncertain significance (1 of 4 stars; one submission).

Conditions:
T-cell immunodeficiency with epidermodysplasia verruciformis. Identifiers: Orphanet 324294, MedGen C4749500, MONDO:0017925.

gnomAD v4.1: 2 of 1,613,922 alleles (0.00012%); highest among the groups gnomAD compares: Admixed American, 0.0033%; no homozygotes.

Submission:

Labcorp Genetics (formerly Invitae), Labcorp
Classification: Uncertain significance for T-cell immunodeficiency with epidermodysplasia verruciformis. Last evaluated: 2024-11-16. Review status: criteria provided, single submitter. Criteria: Invitae Variant Classification Sherloc (09022015). Collection method: clinical testing. Allele origin: germline.
Comment: This sequence change replaces alanine, which is neutral and non-polar, with valine, which is neutral and non-polar, at codon 32 of the RHOH protein (p.Ala32Val). This variant is not present in population databases (gnomAD no frequency). This variant has not been reported in the literature in individuals affected with RHOH-related conditions. An algorithm developed to predict the effect of missense changes on protein structure and function (PolyPhen-2) suggests that this variant is likely to be tolerated. In summary, the available evidence is currently insufficient to determine the role of this variant in disease. Therefore, it has been classified as a Variant of Uncertain Significance.

NM_004310.5(RHOH):c.95C>T (p.Ala32Val)

Gene: RHOH (ras homolog family member H; plus strand). Cytogenetic location: 4p14.
Variant type: single nucleotide variant.
Coding change: c.95C>T on transcript NM_004310.5 (MANE Select); coding-DNA position 95, C replaced by T.
Protein change: p.Ala32Val; replaces alanine 32 with valine.
Molecular consequence: missense variant.
Genome position (GRCh38, 1-based): chr4:40,243,481, C>T. VCF-style: chr4-40243481-C-T. GRCh37 (hg19) VCF-style: chr4-40245101-C-T.
Other names: c.95C>T, p.Ala32Val (NM_001278359.2, NM_001278360.2, NM_001278361.2 and 8 more transcripts); short protein forms A32V.
Identifiers: ClinVar variation 3618973 (VCV003618973.2).